The following is an entry in ClinVar:

ClinVar aggregate classification (germline): Pathogenic/Likely pathogenic. Review status: criteria provided, multiple submitters, no conflicts (2 of 4 stars). 3 submissions from 3 submitters: Pathogenic (2); Likely pathogenic (1). Last evaluated 2023-11-04.

Conditions:
Hereditary cancer-predisposing syndrome. Also called: Hereditary Cancer Syndrome; Hereditary neoplastic syndrome; Neoplastic Syndromes, Hereditary; Tumor predisposition. Identifiers: Orphanet 140162, MedGen C0027672, MeSH D009386, MONDO:0015356.
Mitochondrial complex II deficiency, nuclear type 1. Also called: SUCCINATE CoQ REDUCTASE DEFICIENCY. Identifiers: Orphanet 3208, MedGen C5700310, MONDO:0100294, OMIM 252011.
Pheochromocytoma/paraganglioma syndrome 5. Also called: Paragangliomas 5; SDHA-Related Hereditary Paraganglioma-Pheochromocytoma Syndrome. Identifiers: Orphanet 29072, MedGen C3279992, MONDO:0013602, OMIM 614165.
Dilated cardiomyopathy 1GG (CMD1GG). Identifiers: Orphanet 154, MedGen C3150898, MONDO:0013339, OMIM 613642.

Submissions (3):

Baylor Genetics
Classification: Likely pathogenic for Dilated cardiomyopathy 1GG. Last evaluated: 2023-11-04. Review status: criteria provided, single submitter. Criteria: ACMG Guidelines, 2015. Collection method: clinical testing. Allele origin: unknown.

Labcorp Genetics (formerly Invitae), Labcorp
Classification: Pathogenic for Pheochromocytoma/paraganglioma syndrome 5; Mitochondrial complex II deficiency, nuclear type 1. Last evaluated: 2023-10-20. Review status: criteria provided, single submitter. Criteria: Invitae Variant Classification Sherloc (09022015). Collection method: clinical testing. Allele origin: germline.
Comment: This sequence change creates a premature translational stop signal (p.Gln104Hisfs*25) in the SDHA gene. It is expected to result in an absent or disrupted protein product. Loss-of-function variants in SDHA are known to be pathogenic (PMID: 22974104, 24781757). This variant is not present in population databases (gnomAD no frequency). This variant has not been reported in the literature in individuals affected with SDHA-related conditions. For these reasons, this variant has been classified as Pathogenic.

Ambry Genetics
Classification: Pathogenic for Hereditary cancer-predisposing syndrome. Last evaluated: 2015-02-20. Review status: criteria provided, single submitter. Criteria: Ambry Variant Classification Scheme 2023. Collection method: clinical testing. Allele origin: germline.
Comment: The c.310_311dupCA pathogenic mutation, located in coding exon 3 of the SDHA gene, results from a duplication of CA at nucleotide position 310, causing a translational frameshift with a predicted alternate stop codon. Since frameshifts are typically deleterious in nature, this alteration is interpreted as a disease-causing mutation (ACMG Recommendations for Standards for Interpretation and Reporting of Sequence Variations. Revision 2007. Genet Med. 2008;10:294).

Literature cited by the submitters: PubMed 22974104 (cited by Labcorp Genetics (formerly Invitae), Labcorp); PubMed 24781757 (cited by Labcorp Genetics (formerly Invitae), Labcorp).

NM_004168.4(SDHA):c.310_311dup (p.Gln104fs)

Gene: SDHA (succinate dehydrogenase complex flavoprotein subunit A; plus strand). Cytogenetic location: 5p15.33.
Variant type: Microsatellite.
Coding change: c.310_311dup on transcript NM_004168.4 (MANE Select); coding-DNA positions 310 to 311, 2 bases duplicated (CA; older notation c.310_311dupCA).
Protein change: p.Gln104fs; shifts the reading frame from glutamine 104.
Molecular consequence: frameshift variant.
Genome position (GRCh38, 1-based): chr5:224,519-224,520, CA duplicated; duplicating any 2 consecutive bases within chr5:224,517-224,520 gives the same sequence; the c. name uses the placement nearest the transcript's 3' end. VCF-style (leftmost placement, unchanged base first): chr5-224516-G-GCA. GRCh37 (hg19) VCF-style: chr5-224631-G-GCA.
Other names: c.310_311dup, p.Gln104fs (NM_001294332.2, NM_001330758.2); short protein forms Q104fs.
Identifiers: ClinVar variation 230564 (VCV000230564.11), dbSNP rs876658637, ClinGen allele CA10578625.